The following is an entry in ClinVar:

NM_000277.3(PAH):c.795C>A (p.Cys265Ter)

Gene: PAH (phenylalanine hydroxylase; minus strand). Cytogenetic location: 12q23.2.
Variant type: single nucleotide variant.
Coding change: c.795C>A on transcript NM_000277.3 (MANE Select); coding-DNA position 795, C replaced by A.
Protein change: p.Cys265Ter; replaces cysteine 265 with a stop codon.
Molecular consequence: nonsense.
Genome position (GRCh38, 1-based): chr12:102,852,862, G>T on the plus strand (C>A on the coding strand, the complement: PAH is on the minus strand). VCF-style: chr12-102852862-G-T. GRCh37 (hg19) VCF-style: chr12-103246640-G-T.
Other names: c.795C>A, p.Cys265Ter (NM_001354304.2); short protein forms C265*.
Identifiers: ClinVar variation 932259 (VCV000932259.1), dbSNP rs1231529155, ClinGen allele CA16020859.

ClinVar aggregate classification (germline): Pathogenic (3 of 4 stars; one submission).

Conditions:
Phenylketonuria (PKU). Also called: OLIGOPHRENIA PHENYLPYRUVICA; Phenylketonurias; Phenylketonuria (PKU); FOLLING DISEASE. Identifiers: Orphanet 716, MedGen C0031485, MONDO:0009861, OMIM 261600. Disease mechanism: loss of function.

gnomAD v4.1: 1 of 1,614,108 alleles (0.000062%); highest among the groups gnomAD compares: Non-Finnish European, 0.000085%; no homozygotes.

Submission:

ClinGen PAH Variant Curation Expert Panel
Classification: Pathogenic for Phenylketonuria. Last evaluated: 2020-05-09. Review status: reviewed by expert panel. Criteria: ClinGen PAH ACMG Specifications v1. Collection method: curation. Allele origin: germline. Inheritance: Autosomal recessive inheritance.
Comment: The PAH variant c.795C>A (p.Cys265*) is a null variant (stop gain) located in exon number 7 of the PAH gene. The loss of function in the PAH gene is a mechanism of disease. Eleven null variants in exon 7 of the PAH gene have been reported. The mRNA transcript is predicted to undergo NMD. All patients fulfilled the diagnostic criteria of PKU, with a blood phenylalanine concentration >2 mg/dl. BH4 deficiency was excluded by analysis of urinary pterins and dihydropteridine reductase activity in erythrocytes. All mutations identified in patients were confirmed by analyzing parental DNA. (PMID: 26322415) According to gnomAD, the PAH variant c.795C>A (p.Cys265Ter) is present at a low allele frequency in population databases, with the highest reported frequency in the European (Non-Finnish) population (0.000008798). This variant is absent from the ExAC, PAGE, and ESP population databases. In summary, this variant meets the criteria to be classified as pathogenic for PAH. PAH-specific ACMG/AMP criteria applied: PM2, PM3, PVS1, PP4_Moderate.

Literature cited by the submitters: PubMed 26322415.